The following is an entry in ClinVar:

NM_000287.4(PEX6):c.2472-1G>A

Gene: PEX6 (peroxisomal biogenesis factor 6; minus strand). Cytogenetic location: 6p21.1.
Variant type: single nucleotide variant.
Coding change: c.2472-1G>A on transcript NM_000287.4 (MANE Select); the canonical splice acceptor site of the intron before coding-DNA position 2472, G replaced by A.
Molecular consequence: splice acceptor variant.
Genome position (GRCh38, 1-based): chr6:42,965,369, C>T on the plus strand (G>A on the coding strand, the complement: PEX6 is on the minus strand). VCF-style: chr6-42965369-C-T. GRCh37 (hg19) VCF-style: chr6-42933107-C-T.
Other names: c.2208-1G>A (NM_001316313.2).
Identifiers: ClinVar variation 2100725 (VCV002100725.4), dbSNP rs2481200515, ClinGen allele CA364151249.

ClinVar aggregate classification (germline): Likely pathogenic (1 of 4 stars; one submission).

Conditions:
Peroxisome biogenesis disorder. Identifiers: Orphanet 79189, MedGen C1832200, MONDO:0019234. Disease mechanism: loss of function.

Submission:

Labcorp Genetics (formerly Invitae), Labcorp
Classification: Likely pathogenic for Peroxisome biogenesis disorder. Last evaluated: 2022-03-04. Review status: criteria provided, single submitter. Criteria: Invitae Variant Classification Sherloc (09022015). Collection method: clinical testing. Allele origin: germline.
Comment: In summary, the currently available evidence indicates that the variant is pathogenic, but additional data are needed to prove that conclusively. Therefore, this variant has been classified as Likely Pathogenic. Algorithms developed to predict the effect of sequence changes on RNA splicing suggest that this variant may disrupt the consensus splice site. This variant has not been reported in the literature in individuals affected with PEX6-related conditions. This variant is not present in population databases (gnomAD no frequency). This sequence change affects an acceptor splice site in intron 13 of the PEX6 gene. It is expected to disrupt RNA splicing. Variants that disrupt the donor or acceptor splice site typically lead to a loss of protein function (PMID: 16199547), and loss-of-function variants in PEX6 are known to be pathogenic (PMID: 8670792, 19877282, 21031596).

Literature cited by the submitters: PubMed 16199547; PubMed 8670792; PubMed 19877282; PubMed 21031596.